The following is an entry in ClinVar:

ClinVar aggregate classification (germline): Uncertain significance (1 of 4 stars; one submission).

gnomAD v4.1: 18 of 1,600,066 alleles (0.0011%); highest among the groups gnomAD compares: African/African-American, 0.0027%; no homozygotes.

Submission:

Ambry Genetics
Classification: Uncertain significance. Last evaluated: 2026-03-19. Review status: criteria provided, single submitter. Criteria: Ambry Variant Classification Scheme 2023. Collection method: clinical testing. Allele origin: germline.
Comment: The c.1235C>T (p.P412L) alteration is located in exon 6 (coding exon 4) of the ARVCF gene. This alteration results from a C to T substitution at nucleotide position 1235, causing the proline (P) at amino acid position 412 to be replaced by a leucine (L). Based on data from gnomAD, the T allele has an overall frequency of <0.001% (1/217938) total alleles studied. The highest observed frequency was 0.001% (1/95366) of European (non-Finnish) alleles. Based on insufficient or conflicting evidence, the clinical significance of this alteration remains unclear.

NM_001670.3(ARVCF):c.1235C>T (p.Pro412Leu)

Gene: ARVCF (ARVCF delta catenin family member; minus strand). Cytogenetic location: 22q11.21.
Variant type: single nucleotide variant.
Coding change: c.1235C>T on transcript NM_001670.3 (MANE Select); coding-DNA position 1235, C replaced by T.
Protein change: p.Pro412Leu; replaces proline 412 with leucine.
Molecular consequence: missense variant.
Genome position (GRCh38, 1-based): chr22:19,979,904, G>A on the plus strand (C>T on the coding strand, the complement: ARVCF is on the minus strand). VCF-style: chr22-19979904-G-A. GRCh37 (hg19) VCF-style: chr22-19967427-G-A.
Other names: c.1046C>T, p.Pro349Leu (NM_001410839.1, NM_001438683.1, NM_001438694.1); c.1235C>T, p.Pro412Leu (NM_001438684.1, NM_001438685.1, NM_001438687.1 and 2 more transcripts); short protein forms P349L, P412L.
Identifiers: ClinVar variation 4863697 (VCV004863697.1).
Genomic context (GRCh38, chr22:19,979,904, plus strand): 5'-TCGCGGCCATAGGAGAGGTTGCGCAGTGCCCCACAGGCCCGGCGCCGCACCTCAGCCCGC[G>A]GGTGGTCCAGCAGTGCCACAAGCAGCGGCAGCCCCCGCAACTGCCGTACACGCCGCTTGA-3'
Protein context (NP_001661.1, residues 402-422): LPLLVALLDH[Pro412Leu]RAEVRRRACG